The following is an entry in ClinVar:

NM_000815.5(GABRD):c.56T>G (p.Leu19Arg)

Gene: GABRD (gamma-aminobutyric acid type A receptor subunit delta; plus strand). Cytogenetic location: 1p36.33.
Variant type: single nucleotide variant.
Coding change: c.56T>G on transcript NM_000815.5 (MANE Select); coding-DNA position 56, T replaced by G.
Protein change: p.Leu19Arg; replaces leucine 19 with arginine.
Molecular consequence: missense variant.
Genome position (GRCh38, 1-based): chr1:2,019,479, T>G. VCF-style: chr1-2019479-T-G. GRCh37 (hg19) VCF-style: chr1-1950918-T-G.
Other names: short protein forms L19R.
Identifiers: ClinVar variation 2912951 (VCV002912951.3), dbSNP rs2525610543, ClinGen allele CA337953843.

ClinVar aggregate classification (germline): Uncertain significance (1 of 4 stars; one submission).

Conditions:
Idiopathic generalized epilepsy. Also called: Generalised epilepsy; EIG. Identifiers: MedGen C0270850, MONDO:0005579, OMIM 600669.

Submission:

Labcorp Genetics (formerly Invitae), Labcorp
Classification: Uncertain significance for Idiopathic generalized epilepsy. Last evaluated: 2023-10-09. Review status: criteria provided, single submitter. Criteria: Invitae Variant Classification Sherloc (09022015). Collection method: clinical testing. Allele origin: germline.
Comment: This sequence change replaces leucine, which is neutral and non-polar, with arginine, which is basic and polar, at codon 19 of the GABRD protein (p.Leu19Arg). The frequency data for this variant in the population databases is considered unreliable, as metrics indicate insufficient coverage at this position in the gnomAD database. This variant has not been reported in the literature in individuals affected with GABRD-related conditions. Experimental studies and prediction algorithms are not available or were not evaluated, and the functional significance of this variant is currently unknown. In summary, the available evidence is currently insufficient to determine the role of this variant in disease. Therefore, it has been classified as a Variant of Uncertain Significance.